The following continues an entry in ClinVar:

NM_000551.4(VHL):c.598C>T (p.Arg200Trp)

ClinVar aggregate classification (germline): Benign. Benign (1).

Submissions 27 to 34 of 34:

St. Jude Molecular Pathology, St. Jude Children's Research Hospital
Classification: Pathogenic for Acute leukemia of ambiguous lineage. Last evaluated: 2017-01-20. Review status: criteria provided, single submitter. Criteria: ACMG Guidelines, 2015. Collection method: clinical testing. Allele origin: germline. Affected: yes. Not counted in ClinVar's aggregate classification.
Comment: This is a missense alteration in which a C is replaced by a T at coding nucleotide 598 and is predicted to change an Arginine to a Tryptophan at amino acid codon 200. Classification criteria: PS1 (associated with Chuvash syndrome, only in homozygous state), PS3, PM2, PP3.

Clinical Laboratory Sciences Program (CLSP), King Saud bin Abdulaziz University for Health Sciences (KSAU-HS)
Classification: Likely pathogenic for Chuvash polycythemia. Last evaluated: 2023-04-01. Review status: no assertion criteria provided. Collection method: clinical testing. Allele origin: germline. Affected: yes. Not counted in ClinVar's aggregate classification.

Counsyl
Classification: Likely benign for Von Hippel-Lindau syndrome. Last evaluated: 2016-08-16. Review status: no assertion criteria provided. Collection method: clinical testing. Allele origin: unknown. Not counted in ClinVar's aggregate classification.

Genomic Diagnostic Laboratory, Division of Genomic Diagnostics, Children's Hospital of Philadelphia
Classification: Pathogenic for Chuvash polycythemia. Last evaluated: 2016-02-26. Review status: no assertion criteria provided. Collection method: clinical testing. Allele origin: germline. Observed: 9 variant alleles. Not counted in ClinVar's aggregate classification.

ITMI
No classification provided. Condition: AllHighlyPenetrant. Last evaluated: 2013-09-19. Review status: no classification provided. Collection method: reference population. Allele origin: germline. Not counted in ClinVar's aggregate classification.
Comment: Please see associated publication for description of ethnicities

OMIM
Classification: Pathogenic for POLYCYTHEMIA, CHUVASH TYPE. Last evaluated: 2011-06-19. Review status: no assertion criteria provided. Collection method: literature only. Allele origin: germline. Not counted in ClinVar's aggregate classification.

Genomic Diagnostic Laboratory, Division of Genomic Diagnostics, Children's Hospital of Philadelphia
Classification: Likely benign for von Hippel-Lindau syndrome. Last evaluated: 2018-08-01. Review status: flagged submission. Criteria: DGD Variant Analysis Guidelines. Collection method: clinical testing. Allele origin: germline. Affected: yes. Observed: 1 variant allele. Not counted in ClinVar's aggregate classification.
ClinVar note: Reason: Older and outlier claim with insufficient supporting evidence

CSER _CC_NCGL, University of Washington
Classification: Likely benign for Von Hippel-Lindau syndrome. Last evaluated: 2014-06-01. Review status: flagged submission. Collection method: research. Allele origin: germline. Inheritance: Autosomal dominant inheritance. Study: ESP 6500 variant annotation. Not counted in ClinVar's aggregate classification.
Comment: Variants classified for the Actionable exomic incidental findings in 6503 participants: challenges of variant classification manuscript
ClinVar note: Reason: Older and outlier claim with insufficient supporting evidence

Literature cited by the submitters: PubMed 8956040 (cited by 5 submitters); PubMed 14726398 (cited by 10 submitters); PubMed 21606165 (cited by 6 submitters); PubMed 11987242 (cited by 9 submitters); PubMed 19494350 (cited by 3 submitters); PubMed 9058738 (cited by Labcorp Genetics (formerly Invitae), Labcorp); PubMed 16210343 (cited by 8 submitters); PubMed 12415268 (cited by 10 submitters); PubMed 15574766 (cited by 8 submitters); PubMed 17992257 (cited by 8 submitters); PubMed 19030229 (cited by 8 submitters); PubMed 12393546 (cited by 5 submitters); PubMed 12702509 (cited by 4 submitters); PubMed 12844285 (cited by 6 submitters); PubMed 14604959 (cited by 4 submitters); PubMed 15642664 (cited by 3 submitters); PubMed 17264095 (cited by 5 submitters); PubMed 19304954 (cited by 4 submitters); PubMed 21685897 (cited by 4 submitters); PubMed 23403324 (cited by 4 submitters); PubMed 25371412 (cited by 7 submitters); PubMed 31132167 (cited by 4 submitters); PubMed 38969834 (cited by Color Diagnostics, LLC DBA Color Health); PubMed 21876117 (cited by Ambry Genetics and Quest Diagnostics Nichols Institute San Juan Capistrano); PubMed 9829912 (cited by Ambry Genetics and Laboratory for Molecular Medicine, Mass General Brigham Personalized Medicine); PubMed 27651169 (cited by Quest Diagnostics Nichols Institute San Juan Capistrano); PubMed 24728327 (cited by 3 submitters); PubMed 23015148 (cited by Quest Diagnostics Nichols Institute San Juan Capistrano and Laboratory for Molecular Medicine, Mass General Brigham Personalized Medicine); PubMed 22393103 (cited by Quest Diagnostics Nichols Institute San Juan Capistrano and Counsyl); PubMed 21993671 (cited by Quest Diagnostics Nichols Institute San Juan Capistrano and Laboratory for Molecular Medicine, Mass General Brigham Personalized Medicine); PubMed 35142155 (cited by Quest Diagnostics Nichols Institute San Juan Capistrano); PubMed 36744932 (cited by Quest Diagnostics Nichols Institute San Juan Capistrano); PubMed 35220195 (cited by Quest Diagnostics Nichols Institute San Juan Capistrano); PubMed 33033909 (cited by Quest Diagnostics Nichols Institute San Juan Capistrano); PubMed 31568062 (cited by Quest Diagnostics Nichols Institute San Juan Capistrano); PubMed 18836774 (cited by Laboratory for Molecular Medicine, Mass General Brigham Personalized Medicine and Counsyl); PubMed 25637381 (cited by Counsyl); PubMed 10364675 (cited by OMIM); PubMed 9399847 (cited by OMIM).